The following is an entry in ClinVar:

ClinVar aggregate classification (germline): Uncertain significance (1 of 4 stars; one submission).

Conditions:
Cardiovascular phenotype. Identifiers: MedGen CN230736.

gnomAD v4.1: 5 of 1,613,936 alleles (0.00031%); highest among the groups gnomAD compares: Non-Finnish European, 0.00042%; no homozygotes.

Submission:

Ambry Genetics
Classification: Uncertain significance for Cardiovascular phenotype. Last evaluated: 2026-08-10. Review status: criteria provided, single submitter. Criteria: Ambry Variant Classification Scheme 2023. Collection method: clinical testing. Allele origin: germline.
Comment: The p.E110G variant (also known as c.329A>G), located in coding exon 4 of the NEXN gene, results from an A to G substitution at nucleotide position 329. The glutamic acid at codon 110 is replaced by glycine, an amino acid with similar properties. This amino acid position is conserved. In addition, the in silico prediction for this alteration is inconclusive. Based on the available evidence, the clinical significance of this variant remains unclear.

NM_144573.4(NEXN):c.329A>G (p.Glu110Gly)

Genes: NEXN (nexilin F-actin binding protein; plus strand), LOC126805765 (BRD4-independent group 4 enhancer GRCh37_chr1:78383688-78384887; plus strand). Cytogenetic location: 1p31.1.
Variant type: single nucleotide variant.
Coding change: c.329A>G on transcript NM_144573.4 (MANE Select); coding-DNA position 329, A replaced by G.
Protein change: p.Glu110Gly; replaces glutamic acid 110 with glycine.
Molecular consequence: missense variant.
Genome position (GRCh38, 1-based): chr1:77,918,155, A>G. VCF-style: chr1-77918155-A-G. GRCh37 (hg19) VCF-style: chr1-78383840-A-G.
Other names: c.137A>G, p.Glu46Gly (NM_001172309.2); short protein forms E110G, E46G.
Identifiers: ClinVar variation 5025496 (VCV005025496.1).
Genomic context (GRCh38, chr1:77,918,155, plus strand): 5'-GTATCAAACTTTTTTTTCATATATTTTTAGGAACTGTGAAGGGTAGATTTGCTGAAATGG[A>G]GAAACAAAGACAAGAGGAACAAAGGAAGAGAACGGAGGAGGAACGAAAACGCAGAATTGA-3'
Protein context (NP_653174.3, residues 100-120): GTVKGRFAEM[Glu110Gly]KQRQEEQRKR